The following is an entry in ClinVar:

NM_001256071.3(RNF213):c.8067C>T (p.Ile2689=)

Gene: RNF213 (ring finger protein 213; plus strand). Cytogenetic location: 17q25.3.
Variant type: single nucleotide variant.
Coding change: c.8067C>T on transcript NM_001256071.3 (MANE Select); coding-DNA position 8067, C replaced by T.
Protein change: p.Ile2689=; no amino-acid change (isoleucine 2689 retained).
Molecular consequence: synonymous variant.
Genome position (GRCh38, 1-based): chr17:80,346,402, C>T. VCF-style: chr17-80346402-C-T. GRCh37 (hg19) VCF-style: chr17-78320202-C-T.
Identifiers: ClinVar variation 713395 (VCV000713395.8), dbSNP rs143580800, ClinGen allele CA8820869.
Genomic context (GRCh38, chr17:80,346,402, plus strand): 5'-CAGCGTCAGCAAAAATCACACCGAGAGAGATCCCGTCCTCTGGTCGTTGATGCTGGCCAT[C>T]GGGGTGTGTTACCATGCCTCTTTAGAAAAGAAAGACTCATATCGGAAAGCCATCGCCAGG-3'
Protein context (NP_001243000.2, residues 2679-2699): DPVLWSLMLA[Ile2689=]GVCYHASLEK

ClinVar aggregate classification (germline): Likely benign. Review status: criteria provided, multiple submitters, no conflicts (2 of 4 stars). 3 submissions from 3 submitters: Likely benign (2). 1 of the submissions does not count toward it. Last evaluated 2025-08-18.

Conditions:
RNF213-related disorder. Also called: RNF213-related condition.

Allele frequency attached by ClinVar (database versions not stated): 1000 Genomes Project 30x 0.00016; 1000 Genomes Project 0.00020; ExAC 0.00028; ESP Exome Variant Server 0.00031; TOPMed 0.00039; gnomAD exomes 0.00041 and 0.00080; gnomAD 0.00060 and 0.00064.
gnomAD v4.1: 1,236 of 1,613,330 alleles (0.077%); highest among the groups gnomAD compares: Non-Finnish European, 0.1%; no homozygotes.

Submissions (3):

Labcorp Genetics (formerly Invitae), Labcorp
Classification: Likely benign. Last evaluated: 2025-08-18. Review status: criteria provided, single submitter. Criteria: Invitae Variant Classification Sherloc (09022015). Collection method: clinical testing. Allele origin: germline.

Blueprint Genetics
Classification: Likely benign. Last evaluated: 2024-10-18. Review status: criteria provided, single submitter. Criteria: ACMG Guidelines, 2015. Collection method: clinical testing. Allele origin: germline.

PreventionGenetics, part of Exact Sciences
Classification: Likely benign for RNF213-related condition. Last evaluated: 2020-02-05. Review status: no assertion criteria provided. Collection method: clinical testing. Allele origin: germline. Not counted in ClinVar's aggregate classification.
Comment: This variant is classified as likely benign based on ACMG/AMP sequence variant interpretation guidelines (Richards et al. 2015 PMID: 25741868, with internal and published modifications).